The following is an entry in ClinVar:

NM_000969.5(RPL5):c.272del (p.Gly91fs)

Genes: DIPK1A (divergent protein kinase domain 1A; minus strand), RPL5 (ribosomal protein L5; plus strand). Cytogenetic location: 1p22.1.
Variant type: Deletion.
Coding change: c.272del on transcript NM_000969.5 (MANE Select); coding-DNA position 272, one base deleted (G; older notation c.272delG).
Protein change: p.Gly91fs; shifts the reading frame from glycine 91.
Molecular consequence: frameshift variant. On other transcripts: non-coding transcript variant (1), intron variant (1).
Genome position (GRCh38, 1-based): chr1:92,834,861, G deleted; the last of 2 consecutive G bases (chr1:92,834,860-92,834,861); deleting either gives the same sequence. VCF-style (leftmost placement, unchanged base first): chr1-92834859-TG-T. GRCh37 (hg19) VCF-style: chr1-93300416-TG-T.
Other names: c.475-1826del (NM_001252273.2); short protein forms G91fs.
Identifiers: ClinVar variation 2810782 (VCV002810782.3), dbSNP rs2524452614, ClinGen allele CA2739272640.
Genomic context (GRCh38, chr1:92,834,859, plus strand): 5'-GGGGGATATGATAGTCTGCGCAGCGTATGCACACGAACTGCCAAAATATGGTGTGAAGGT[TG>T]GCCTGACAAATTATGCTGCAGCATATTGTACTGGCCTGCTGCTGGCCCGCAGGGTATGTA-3'

ClinVar aggregate classification (germline): Pathogenic (1 of 4 stars; one submission).

Conditions:
Diamond-Blackfan anemia. Also called: Blackfan Diamond syndrome; Aregenerative anemia chronic congenital; Red cell aplasia, pure hereditary; Congenital hypoplastic anemia; Aase syndrome. Identifiers: Orphanet 124, MedGen C1260899, MeSH D029503, MONDO:0015253, HP:0004810.

Submission:

Labcorp Genetics (formerly Invitae), Labcorp
Classification: Pathogenic for Diamond-Blackfan anemia. Last evaluated: 2022-10-30. Review status: criteria provided, single submitter. Criteria: Invitae Variant Classification Sherloc (09022015). Collection method: clinical testing. Allele origin: germline.
Comment: This sequence change creates a premature translational stop signal (p.Gly91Alafs*2) in the RPL5 gene. It is expected to result in an absent or disrupted protein product. Loss-of-function variants in RPL5 are known to be pathogenic (PMID: 19061985, 19773262). This variant is not present in population databases (gnomAD no frequency). This variant has not been reported in the literature in individuals affected with RPL5-related conditions. For these reasons, this variant has been classified as Pathogenic.

Literature cited by the submitters: PubMed 19061985; PubMed 19773262.